The following is an entry in ClinVar:

ClinVar aggregate classification (germline): Uncertain significance. Review status: criteria provided, multiple submitters, no conflicts (2 of 4 stars). 2 submissions from 2 submitters: Uncertain significance (2). Last evaluated 2025-06-04.

Conditions:
Early-infantile DEE. Also called: Early infantile epileptic encephalopathy; Ohtahara syndrome; Early infantile epileptic encephalopathy with suppression bursts. Identifiers: Orphanet 1934, MedGen C0393706, MONDO:0800491.

Submissions (2):

Women's Health and Genetics/Laboratory Corporation of America, LabCorp
Classification: Uncertain significance. Last evaluated: 2025-06-04. Review status: criteria provided, single submitter. Criteria: LabCorp Variant Classification Summary - May 2015. Collection method: clinical testing. Allele origin: germline.
Comment: Variant summary: SPTAN1 c.6280-4_6280-3delinsAT alters a nucleotide located close to a canonical splice site and therefore could affect mRNA splicing, leading to a significantly altered protein sequence. Consensus agreement among computation tools predict no significant impact on normal splicing. However, these predictions have yet to be confirmed by functional studies. The variant was absent in 249234 control chromosomes. The available data on variant occurrences in the general population are insufficient to allow any conclusion about variant significance. To our knowledge, no occurrence of c.6280-4_6280-3delinsAT in individuals affected with Epileptic Encephalopathy, Early Infantile, 5 and no experimental evidence demonstrating its impact on protein function have been reported. ClinVar contains an entry for this variant (Variation ID: 3640458). Based on the evidence outlined above, the variant was classified as uncertain significance.

Labcorp Genetics (formerly Invitae), Labcorp
Classification: Uncertain significance for Early-infantile DEE. Last evaluated: 2024-02-13. Review status: criteria provided, single submitter. Criteria: Invitae Variant Classification Sherloc (09022015). Collection method: clinical testing. Allele origin: germline.
Comment: This sequence change falls in intron 48 of the SPTAN1 gene. It does not directly change the encoded amino acid sequence of the SPTAN1 protein. Information on the frequency of this variant in the gnomAD database is not available, as this variant may be reported differently in the database. This variant has not been reported in the literature in individuals affected with SPTAN1-related conditions. Experimental studies and prediction algorithms are not available or were not evaluated, and the effect of this variant on mRNA splicing is currently unknown. In summary, the available evidence is currently insufficient to determine the role of this variant in disease. Therefore, it has been classified as a Variant of Uncertain Significance.

NM_001130438.3(SPTAN1):c.6280-4_6280-3delinsAT

Gene: SPTAN1 (spectrin alpha, non-erythrocytic 1; plus strand). Cytogenetic location: 9q34.11.
Variant type: Indel.
Coding change: c.6280-4_6280-3delinsAT on transcript NM_001130438.3 (MANE Select); 4 bases into the intron before coding-DNA position 6280 through 3 bases into the intron before coding-DNA position 6280, CC replaced by AT.
Molecular consequence: intron variant.
Genome position (GRCh38, 1-based): chr9:128,626,387-128,626,388, CC replaced by AT. VCF-style: chr9-128626387-CC-AT. GRCh37 (hg19) VCF-style: chr9-131388666-CC-AT.
Other names: c.6316-4_6316-3delinsAT (NM_001375318.1, NM_001375312.2); c.6280-4_6280-3delinsAT (NM_001375311.2, NM_001375310.1, NM_001363759.2 and 1 more transcripts); c.6220-4_6220-3delinsAT (NM_001375314.2, NM_001363765.2); c.6265-4_6265-3delinsAT (NM_003127.4); c.6205-4_6205-3delinsAT (NM_001195532.2).
Identifiers: ClinVar variation 3640458 (VCV003640458.3).
Genomic context (GRCh38, chr9:128,626,387, plus strand): 5'-TCCTGCACTGCGTCGGCACGTCCAGCCCTGGCGACTCCGCCAACTCAGTCTCTTCTGCTT[CC>AT]AGGTGGAGGACCTCTTCCTGACCTTCGCCAAAAAGGCTTCTGCCTTCAACAGCTGGTTTG-3'